The following is an entry in ClinVar:

NM_020436.5(SALL4):c.2455A>G (p.Met819Val)

Gene: SALL4 (spalt like transcription factor 4; minus strand). Cytogenetic location: 20q13.2.
Variant type: single nucleotide variant.
Coding change: c.2455A>G on transcript NM_020436.5 (MANE Select); coding-DNA position 2455, A replaced by G.
Protein change: p.Met819Val; replaces methionine 819 with valine.
Molecular consequence: missense variant. On other transcripts: intron variant (1).
Genome position (GRCh38, 1-based): chr20:51,790,028, T>C on the plus strand (A>G on the coding strand, the complement: SALL4 is on the minus strand). VCF-style: chr20-51790028-T-C. GRCh37 (hg19) VCF-style: chr20-50406567-T-C.
Other names: c.1151-887A>G (NM_001318031.2); short protein forms M819V.
Identifiers: ClinVar variation 3618574 (VCV003618574.2).

ClinVar aggregate classification (germline): Uncertain significance (1 of 4 stars; one submission).

Conditions:
Duane-radial ray syndrome (DRRS). Also called: DR SYNDROME; DUANE ANOMALY WITH RADIAL RAY ABNORMALITIES AND DEAFNESS; Duane-Radial Ray Syndrome/Okihiro Syndrome; ACRORENOOCULAR SYNDROME; Okihiro Syndrome; Duane-Radial Ray Syndrome (DRRS) / Okihiro Syndrome. Identifiers: Orphanet 93293, Orphanet 959, MedGen C1623209, MONDO:0011812, OMIM 607323. Disease mechanism: gain of function.

Submission:

Labcorp Genetics (formerly Invitae), Labcorp
Classification: Uncertain significance for Duane-radial ray syndrome. Last evaluated: 2024-02-17. Review status: criteria provided, single submitter. Criteria: Invitae Variant Classification Sherloc (09022015). Collection method: clinical testing. Allele origin: germline.
Comment: This sequence change replaces methionine, which is neutral and non-polar, with valine, which is neutral and non-polar, at codon 819 of the SALL4 protein (p.Met819Val). This variant is not present in population databases (gnomAD no frequency). This variant has not been reported in the literature in individuals affected with SALL4-related conditions. Algorithms developed to predict the effect of missense changes on protein structure and function output the following: SIFT: "Not Available"; PolyPhen-2: "Benign"; Align-GVGD: "Not Available". The valine amino acid residue is found in multiple mammalian species, which suggests that this missense change does not adversely affect protein function. In summary, the available evidence is currently insufficient to determine the role of this variant in disease. Therefore, it has been classified as a Variant of Uncertain Significance.